The following is an entry in ClinVar:

NM_014875.3(KIF14):c.4385G>A (p.Gly1462Glu)

Gene: KIF14 (kinesin family member 14; minus strand). Cytogenetic location: 1q32.1.
Variant type: single nucleotide variant.
Coding change: c.4385G>A on transcript NM_014875.3 (MANE Select); coding-DNA position 4385, G replaced by A.
Protein change: p.Gly1462Glu; replaces glycine 1462 with glutamic acid.
Molecular consequence: missense variant.
Genome position (GRCh38, 1-based): chr1:200,555,423, C>T on the plus strand (G>A on the coding strand, the complement: KIF14 is on the minus strand). VCF-style: chr1-200555423-C-T. GRCh37 (hg19) VCF-style: chr1-200524551-C-T.
Other names: c.2912G>A, p.Gly971Glu (NM_001305792.1); short protein forms G1462E, G971E.
Identifiers: ClinVar variation 1030441 (VCV001030441.2), dbSNP rs759119778, ClinGen allele CA1317012.

ClinVar aggregate classification (germline): Uncertain significance. Review status: criteria provided, multiple submitters, no conflicts (2 of 4 stars). 2 submissions from 2 submitters: Uncertain significance (2). Last evaluated 2025-10-17.

Conditions:
Lethal fetal cerebrorenogenitourinary agenesis/hypoplasia syndrome. Also called: Meckel syndrome 12. Identifiers: Orphanet 439897, MedGen C4015701, MONDO:0014552, OMIM 616258.
Inborn genetic diseases. Identifiers: MedGen C0950123, MeSH D030342.

Allele frequency attached by ClinVar (database versions not stated): gnomAD 0.00001; TOPMed 0.00001.
gnomAD v4.1: 26 of 1,577,732 alleles (0.0016%); highest among the groups gnomAD compares: African/African-American, 0.018%; 1 homozygote.

Submissions (2):

Ambry Genetics
Classification: Uncertain significance for Inborn genetic diseases. Last evaluated: 2025-10-17. Review status: criteria provided, single submitter. Criteria: Ambry Variant Classification Scheme 2023. Collection method: clinical testing. Allele origin: germline.

Baylor Genetics
Classification: Uncertain significance for Lethal fetal cerebrorenogenitourinary agenesis/hypoplasia syndrome. Last evaluated: 2019-07-16. Review status: criteria provided, single submitter. Criteria: ACMG Guidelines, 2015. Collection method: clinical testing. Allele origin: unknown. Affected: yes.
Comment: This variant was determined to be of uncertain significance according to ACMG Guidelines, 2015 [PMID:25741868].